The following is an entry in ClinVar:

NM_003482.4(KMT2D):c.14704G>A (p.Asp4902Asn)

Gene: KMT2D (lysine methyltransferase 2D; minus strand). Cytogenetic location: 12q13.12.
Variant type: single nucleotide variant.
Coding change: c.14704G>A on transcript NM_003482.4 (MANE Select); coding-DNA position 14704, G replaced by A.
Protein change: p.Asp4902Asn; replaces aspartic acid 4902 with asparagine.
Molecular consequence: missense variant.
Genome position (GRCh38, 1-based): chr12:49,027,262, C>T on the plus strand (G>A on the coding strand, the complement: KMT2D is on the minus strand). VCF-style: chr12-49027262-C-T. GRCh37 (hg19) VCF-style: chr12-49421045-C-T.
Other names: short protein forms D4902N.
Identifiers: ClinVar variation 2754100 (VCV002754100.3), dbSNP rs2120370432, ClinGen allele CA384692144.

ClinVar aggregate classification (germline): Uncertain significance (1 of 4 stars; one submission).

Conditions:
Kabuki syndrome. Also called: NIIKAWA-KUROKI SYNDROME; Kabuki make-up syndrome. Identifiers: Orphanet 2322, MedGen C0796004, MONDO:0016512.

Submission:

Labcorp Genetics (formerly Invitae), Labcorp
Classification: Uncertain significance for Kabuki syndrome. Last evaluated: 2023-08-19. Review status: criteria provided, single submitter. Criteria: Invitae Variant Classification Sherloc (09022015). Collection method: clinical testing. Allele origin: germline.
Comment: This sequence change replaces aspartic acid, which is acidic and polar, with asparagine, which is neutral and polar, at codon 4902 of the KMT2D protein (p.Asp4902Asn). This variant is not present in population databases (gnomAD no frequency). This variant has not been reported in the literature in individuals affected with KMT2D-related conditions. Advanced modeling of protein sequence and biophysical properties (such as structural, functional, and spatial information, amino acid conservation, physicochemical variation, residue mobility, and thermodynamic stability) performed at Invitae indicates that this missense variant is not expected to disrupt KMT2D protein function. In summary, the available evidence is currently insufficient to determine the role of this variant in disease. Therefore, it has been classified as a Variant of Uncertain Significance.